The following is an entry in ClinVar:

ClinVar aggregate classification (germline): Uncertain significance (1 of 4 stars; one submission).

Submission:

GeneDx
Classification: Uncertain significance. Last evaluated: 2020-02-17. Review status: criteria provided, single submitter. Criteria: GeneDx Variant Classification Process June 2021. Collection method: clinical testing. Allele origin: germline. Affected: yes.
Comment: Not observed in large population cohorts (Lek et al., 2016); In-frame deletionof 5 amino acids in a non-repeat region; In silico analysis supports a deleterious effect on protein structure/function; Has not been previously published as pathogenic or benign to our knowledge

NM_014244.5(ADAMTS2):c.2890_2904del (p.Pro964_Arg968del)

Gene: ADAMTS2 (ADAM metallopeptidase with thrombospondin type 1 motif 2; minus strand). Cytogenetic location: 5q35.3.
Variant type: Deletion.
Coding change: c.2890_2904del on transcript NM_014244.5 (MANE Select); coding-DNA positions 2890 to 2904, 15 bases deleted (CCCGAGAGCCGCCGG).
Protein change: p.Pro964_Arg968del.
Molecular consequence: inframe deletion.
Genome position (GRCh38, 1-based): chr5:179,125,027-179,125,041, CCGGCGGCTCTCGGG deleted on the plus strand (CCCGAGAGCCGCCGG on the coding strand, the reverse complement: ADAMTS2 is on the minus strand); deleting any 15 consecutive bases within chr5:179,125,027-179,125,045 gives the same sequence; the c. name uses the placement nearest the transcript's 3' end. VCF-style (leftmost placement, unchanged base first): chr5-179125026-CCCGGCGGCTCTCGGG-C. GRCh37 (hg19) VCF-style: chr5-178552027-CCCGGCGGCTCTCGGG-C.
Identifiers: ClinVar variation 1303309 (VCV001303309.2), dbSNP rs2113187567, ClinGen allele CA2573052487.